The following is an entry in ClinVar:

ClinVar aggregate classification (germline): Uncertain significance (1 of 4 stars; one submission).

Allele frequency attached by ClinVar (database versions not stated): TOPMed 0.00001; ExAC 0.00002; gnomAD 0.00002; 1000 Genomes Project 0.00020; 1000 Genomes Project 30x 0.00031.

Submission:

Labcorp Genetics (formerly Invitae), Labcorp
Classification: Uncertain significance. Last evaluated: 2025-11-23. Review status: criteria provided, single submitter. Criteria: Invitae Variant Classification Sherloc (09022015). Collection method: clinical testing. Allele origin: germline.
Comment: This sequence change replaces serine, which is neutral and polar, with leucine, which is neutral and non-polar, at codon 340 of the TCIRG1 protein (p.Ser340Leu). This variant is present in population databases (rs201172503, gnomAD 0.003%). This variant has not been reported in the literature in individuals affected with TCIRG1-related conditions. ClinVar contains an entry for this variant (Variation ID: 2145455). An algorithm developed to predict the effect of missense changes on protein structure and function (PolyPhen-2) suggests that this variant is likely to be disruptive. In summary, the available evidence is currently insufficient to determine the role of this variant in disease. Therefore, it has been classified as a Variant of Uncertain Significance.

NM_006019.4(TCIRG1):c.1019C>T (p.Ser340Leu)

Gene: TCIRG1 (T cell immune regulator 1, ATPase H+ transporting V0 subunit a3; plus strand). Cytogenetic location: 11q13.2.
Variant type: single nucleotide variant.
Coding change: c.1019C>T on transcript NM_006019.4 (MANE Select); coding-DNA position 1019, C replaced by T.
Protein change: p.Ser340Leu; replaces serine 340 with leucine.
Molecular consequence: missense variant.
Genome position (GRCh38, 1-based): chr11:68,044,343, C>T. VCF-style: chr11-68044343-C-T. GRCh37 (hg19) VCF-style: chr11-67811810-C-T.
Other names: c.125C>T, p.Ser42Leu (NM_001351059.2); c.371C>T, p.Ser124Leu (NM_006053.4); short protein forms S124L, S340L, S42L.
Identifiers: ClinVar variation 2145455 (VCV002145455.3), dbSNP rs201172503, ClinGen allele CA6146868.
Genomic context (GRCh38, chr11:68,044,343, plus strand): 5'-CCGAGGCCTGGTGCTCTGTGCGAGACCTGCCCGCCCTGCAGGAGGCCCTGCGGGACAGCT[C>T]GGTGAGCAGCCTGAGGCCTCGCCCCCTCTCCGCCCGCCCCTCCTACCAGGCCGGGGCGTT-3'
Protein context (NP_006010.2, residues 330-350): PALQEALRDS[Ser340Leu]MEEGVSAVAH